The following is an entry in ClinVar:

NM_001042492.3(NF1):c.5612C>A (p.Ser1871Ter)

Gene: NF1 (neurofibromin 1; plus strand). Cytogenetic location: 17q11.2.
Variant type: single nucleotide variant.
Coding change: c.5612C>A on transcript NM_001042492.3 (MANE Select); coding-DNA position 5612, C replaced by A.
Protein change: p.Ser1871Ter; replaces serine 1871 with a stop codon.
Molecular consequence: nonsense.
Genome position (GRCh38, 1-based): chr17:31,330,298, C>A. VCF-style: chr17-31330298-C-A. GRCh37 (hg19) VCF-style: chr17-29657316-C-A.
Other names: c.5549C>A, p.Ser1850Ter (NM_000267.4); short protein forms S1850*, S1871*.
Identifiers: ClinVar variation 3663259 (VCV003663259.2).
Genomic context (GRCh38, chr17:31,330,298, plus strand): 5'-TTTTGGAACTATAAGGAAAAATACGTTTTAAAACAACTTCATTTGTGTTTTCTCCTAGGT[C>A]AGCTGCCTATAATCTTCTGTGTGCCTTAACTTGTACCTTTAATTTAAAAATCGAGGGCCA-3'

ClinVar aggregate classification (germline): Pathogenic (1 of 4 stars; one submission).

Conditions:
Neurofibromatosis, type 1 (NF1). Also called: Peripheral type neurofibromatosis; VON RECKLINGHAUSEN DISEASE; NEUROFIBROMATOSIS, TYPE I, SOMATIC; Neurofibromatosis, type I. Identifiers: Orphanet 636, MedGen C0027831, MONDO:0018975, OMIM 162200. Disease mechanism: loss of function.

Submission:

Labcorp Genetics (formerly Invitae), Labcorp
Classification: Pathogenic for Neurofibromatosis, type 1. Last evaluated: 2025-07-23. Review status: criteria provided, single submitter. Criteria: Invitae Variant Classification Sherloc (09022015). Collection method: clinical testing. Allele origin: germline.
Comment: This sequence change creates a premature translational stop signal (p.Ser1850*) in the NF1 gene. It is expected to result in an absent or disrupted protein product. Loss-of-function variants in NF1 are known to be pathogenic (PMID: 10712197, 23913538). This variant is not present in population databases (gnomAD no frequency). This premature translational stop signal has been observed in individual(s) with neurofibromatosis type 1 (PMID: 31776437, 35240321). ClinVar contains an entry for this variant (Variation ID: 3663259). For these reasons, this variant has been classified as Pathogenic.

Literature cited by the submitters: PubMed 10712197; PubMed 23913538; PubMed 31776437; PubMed 35240321.